The following is an entry in ClinVar:

NM_001754.5(RUNX1):c.806-16_806-13del

Gene: RUNX1 (RUNX family transcription factor 1; minus strand). Cytogenetic location: 21q22.12.
Variant type: Deletion.
Coding change: c.806-16_806-13del on transcript NM_001754.5 (MANE Select); 16 bases into the intron before coding-DNA position 806 through 13 bases into the intron before coding-DNA position 806, 4 bases deleted (TTCT; older notation c.806-16_806-13delTTCT).
Molecular consequence: intron variant.
Genome position (GRCh38, 1-based): chr21:34,799,475-34,799,478, AGAA deleted on the plus strand (TTCT on the coding strand, the reverse complement: RUNX1 is on the minus strand); deleting any 4 consecutive bases within chr21:34,799,475-34,799,480 gives the same sequence; the c. name uses the placement nearest the transcript's 3' end. VCF-style (leftmost placement, unchanged base first): chr21-34799474-CAGAA-C. GRCh37 (hg19) VCF-style: chr21-36171771-CAGAA-C.
Other names: c.725-16_725-13del (NM_001001890.3).
Identifiers: ClinVar variation 2915634 (VCV002915634.4), dbSNP rs2516864155, ClinGen allele CA2577490157.

ClinVar aggregate classification (germline): Uncertain significance. Review status: reviewed by expert panel (3 of 4 stars). 2 submissions from 2 submitters: Uncertain significance (1). 1 of the submissions does not count toward it. Last evaluated 2025-01-15.

Conditions:
Hereditary thrombocytopenia and hematologic cancer predisposition syndrome. Identifiers: Orphanet 71290, MedGen CN281654, MONDO:0011071.
Hereditary thrombocytopenia and hematological cancer predisposition syndrome associated with RUNX1. Also called: RUNX1 Familial Platelet Disorder with Associated Myeloid Malignancies; Familial Platelet Disorder with Propensity to Acute Myelogenous Leukemia; Familial thrombocytopenia with propensity to acute myelogenous leukemia; PLATELET DISORDER, ASPIRIN-LIKE. Identifiers: Orphanet 71290, MedGen C1832388, MeSH C563324, MONDO:0100083, OMIM 601399.

Submissions (2):

ClinGen Myeloid Malignancy Variant Curation Expert Panel
Classification: Uncertain significance for Hereditary thrombocytopenia and hematologic cancer predisposition syndrome. Last evaluated: 2025-01-15. Review status: reviewed by expert panel. Criteria: ClinGen MyeloMalig ACMG Specifications v2. Collection method: curation. Allele origin: germline. Inheritance: Autosomal dominant inheritance.
Comment: NM_001754.5(RUNX1):c.806-16_806-13del is an intronic variant which is completely absent from all population databases with at least 20x coverage for RUNX1 (PM2_Supporting). In summary, the clinical significance of this variant is uncertain. ACMG/AMP criteria applied, as specified by the Myeloid Malignancy Variant Curation Expert Panel for RUNX1: PM2_supporting.

Labcorp Genetics (formerly Invitae), Labcorp
Classification: Likely benign for Hereditary thrombocytopenia and hematological cancer predisposition syndrome associated with RUNX1. Last evaluated: 2024-06-17. Review status: criteria provided, single submitter. Criteria: Invitae Variant Classification Sherloc (09022015). Collection method: clinical testing. Allele origin: germline. Not counted in ClinVar's aggregate classification.